The following is an entry in ClinVar:

ClinVar aggregate classification (germline): Uncertain significance (1 of 4 stars; one submission).
ClinVar aggregate classification (somatic clinical impact): Tier II - Potential (1 of 4 stars; one submission).

Conditions:
Acute myeloid leukemia with NPM1 somatic mutations. Identifiers: Orphanet 402026, MedGen C4706386, MONDO:0018437.

Submissions (2):

Institute for Genomic Medicine (IGM) Clinical Laboratory, Nationwide Children's Hospital
Classification: Tier II - Potential for Acute myeloid leukemia with NPM1 somatic mutations. Assertion type: diagnostic. Clinical significance: supports diagnosis. Last evaluated: 2025-08-18. Review status: criteria provided, single submitter. Criteria: AMP/ASCO/CAP Guidelines, 2017. Collection method: clinical testing. Allele origin: somatic. Affected: yes.
Comment: Variant has Tier II (potential) clinical significance as a diagnostic inclusion criterion in acute myeloid leukemia with NPM1 somatic mutations, based on the following evidence: 1) Documented in one or more cancer databases (e.g., St. Jude Pecan, COSMIC, CIViC, OncoKB). 2) Information in the literature supports potential biologic effect of variant. 3) Diagnostic significance based on multiple small studies (Evidence Level C; PMIDs: 27276561, 28152414, 38212634).

Revvity Omics, Revvity
Classification: Uncertain significance. Last evaluated: 2020-02-14. Review status: criteria provided, single submitter. Criteria: ACMG Guidelines, 2015. Collection method: clinical testing. Allele origin: germline.

Literature cited by the submitters: PubMed 27276561 (cited by Institute for Genomic Medicine (IGM) Clinical Laboratory, Nationwide Children's Hospital); PubMed 28152414 (cited by Institute for Genomic Medicine (IGM) Clinical Laboratory, Nationwide Children's Hospital); PubMed 38212634 (cited by Institute for Genomic Medicine (IGM) Clinical Laboratory, Nationwide Children's Hospital).

NM_005188.4(CBL):c.1091_1095+4del

Gene: CBL (Cbl proto-oncogene; plus strand). Cytogenetic location: 11q23.3.
Variant type: Deletion.
Coding change: c.1091_1095+4del on transcript NM_005188.4 (MANE Select); coding-DNA position 1091 through 4 bases into the intron after coding-DNA position 1095, 9 bases deleted (CCCAGGTGA; older notation c.1091_1095+4delCCCAGGTGA).
Molecular consequence: splice donor variant.
Genome position (GRCh38, 1-based): chr11:119,277,840-119,277,848, CCCAGGTGA deleted; deleting any 9 consecutive bases within chr11:119,277,836-119,277,848 gives the same sequence; the c. name uses the placement nearest the transcript's 3' end. VCF-style (leftmost placement, unchanged base first): chr11-119277835-AGTGACCCAG-A. GRCh37 (hg19) VCF-style: chr11-119148545-AGTGACCCAG-A.
Identifiers: ClinVar variation 2439773 (VCV002439773.4), dbSNP rs2496938228, ClinGen allele CA2580083681.